The following is an entry in ClinVar:

ClinVar aggregate classification (germline): Uncertain significance. Review status: criteria provided, multiple submitters, no conflicts (2 of 4 stars). 2 submissions from 2 submitters: Uncertain significance (2). Last evaluated 2025-08-08.

Conditions:
Inborn genetic diseases. Identifiers: MedGen C0950123, MeSH D030342.
Fanconi anemia (FA). Also called: Fanconi's anemia. Identifiers: Orphanet 84, MedGen C0015625, MeSH D005199, MONDO:0019391.

Allele frequency attached by ClinVar (database versions not stated): gnomAD exomes below 0.00001; ExAC 0.00001.
gnomAD v4.1: 3 of 1,613,730 alleles (0.00019%); highest among the groups gnomAD compares: Non-Finnish European, 0.00017%; no homozygotes.

Submissions (2):

Labcorp Genetics (formerly Invitae), Labcorp
Classification: Uncertain significance for Fanconi anemia. Last evaluated: 2025-08-08. Review status: criteria provided, single submitter. Criteria: Invitae Variant Classification Sherloc (09022015). Collection method: clinical testing. Allele origin: germline.
Comment: This sequence change replaces phenylalanine, which is neutral and non-polar, with cysteine, which is neutral and slightly polar, at codon 758 of the FANCI protein (p.Phe758Cys). This variant is present in population databases (rs750735931, gnomAD 0.007%). This variant has not been reported in the literature in individuals affected with FANCI-related conditions. ClinVar contains an entry for this variant (Variation ID: 582328). Invitae Evidence Modeling of protein sequence and biophysical properties (such as structural, functional, and spatial information, amino acid conservation, physicochemical variation, residue mobility, and thermodynamic stability) indicates that this missense variant is expected to disrupt FANCI protein function with a positive predictive value of 80%. In summary, the available evidence is currently insufficient to determine the role of this variant in disease. Therefore, it has been classified as a Variant of Uncertain Significance.

Ambry Genetics
Classification: Uncertain significance for Inborn genetic diseases. Last evaluated: 2025-04-12. Review status: criteria provided, single submitter. Criteria: Ambry Variant Classification Scheme 2023. Collection method: clinical testing. Allele origin: germline.

NM_001113378.2(FANCI):c.2273T>G (p.Phe758Cys)

Gene: FANCI (FA complementation group I; plus strand). Cytogenetic location: 15q26.1.
Variant type: single nucleotide variant.
Coding change: c.2273T>G on transcript NM_001113378.2 (MANE Select); coding-DNA position 2273, T replaced by G.
Protein change: p.Phe758Cys; replaces phenylalanine 758 with cysteine.
Molecular consequence: missense variant.
Genome position (GRCh38, 1-based): chr15:89,293,045, T>G. VCF-style: chr15-89293045-T-G. GRCh37 (hg19) VCF-style: chr15-89836276-T-G.
Other names: c.1994T>G, p.Phe665Cys (NM_001376910.1); c.2273T>G, p.Phe758Cys (NM_001376911.1, NM_018193.3); short protein forms F758C, F665C.
Identifiers: ClinVar variation 582328 (VCV000582328.8), dbSNP rs750735931, ClinGen allele CA7723328.
Genomic context (GRCh38, chr15:89,293,045, plus strand): 5'-AAAATAATATCTGTGCTTTTCTTGTGATGGGAGTTTGTGAGGTTTTAATAGAATACAATT[T>G]CTCCATAAGTAGTTTCAGGTAAGGTTTTGCTATAACTCCATTTGTAATTTGATGAATTCT-3'
Protein context (NP_001106849.1, residues 748-768): GVCEVLIEYN[Phe758Cys]SISSFSKNRF